The following is an entry in ClinVar:

ClinVar aggregate classification (germline): Uncertain significance (1 of 4 stars; one submission).

Submission:

GeneDx
Classification: Uncertain significance. Last evaluated: 2023-12-26. Review status: criteria provided, single submitter. Criteria: GeneDx Variant Classification Process June 2021. Collection method: clinical testing. Allele origin: germline. Affected: yes.
Comment: Not observed at significant frequency in large population cohorts (gnomAD); In silico analysis supports that this variant does not alter splicing; Has not been previously published as pathogenic or benign to our knowledge

NM_174889.5(NDUFAF2):c.49A>C (p.Arg17=)

Gene: NDUFAF2 (NADH:ubiquinone oxidoreductase complex assembly factor 2; plus strand). Cytogenetic location: 5q12.1.
Variant type: single nucleotide variant.
Coding change: c.49A>C on transcript NM_174889.5 (MANE Select); coding-DNA position 49, A replaced by C.
Protein change: p.Arg17=; no amino-acid change (arginine 17 retained).
Molecular consequence: synonymous variant.
Genome position (GRCh38, 1-based): chr5:60,945,304, A>C. VCF-style: chr5-60945304-A-C. GRCh37 (hg19) VCF-style: chr5-60241131-A-C.
Identifiers: ClinVar variation 3370073 (VCV003370073.1).